The following is an entry in ClinVar:

ClinVar aggregate classification (germline): Pathogenic. Review status: criteria provided, multiple submitters, no conflicts (2 of 4 stars). 2 submissions from 2 submitters: Pathogenic (2). Last evaluated 2024-07-03.

Conditions:
Multiple endocrine neoplasia, type 1 (MEN1). Also called: MEN I; WERMER SYNDROME; Endocrine adenomatosis multiple; MEN 1; MEA I. Identifiers: Orphanet 652, MedGen C0025267, MeSH D018761, MONDO:0007540, OMIM 131100.

Submissions (2):

Labcorp Genetics (formerly Invitae), Labcorp
Classification: Pathogenic for Multiple endocrine neoplasia, type 1. Last evaluated: 2024-07-03. Review status: criteria provided, single submitter. Criteria: Invitae Variant Classification Sherloc (09022015). Collection method: clinical testing. Allele origin: germline.
Comment: This sequence change creates a premature translational stop signal (p.Leu504Profs*27) in the MEN1 gene. While this is not anticipated to result in nonsense mediated decay, it is expected to disrupt the last 107 amino acid(s) of the MEN1 protein. This variant is not present in population databases (gnomAD no frequency). This premature translational stop signal has been observed in individual(s) with multiple endocrine neoplasia type 1 (PMID: 28503312, 30339208). ClinVar contains an entry for this variant (Variation ID: 418694). This variant disrupts a region of the MEN1 protein in which other variant(s) (p.Thr580Argfs*8) have been determined to be pathogenic (PMID: 15331604, 16449969; Invitae). This suggests that this is a clinically significant region of the protein, and that variants that disrupt it are likely to be disease-causing. For these reasons, this variant has been classified as Pathogenic.

GeneDx
Classification: Pathogenic. Last evaluated: 2015-03-13. Review status: criteria provided, single submitter. Criteria: GeneDx Variant Classification (06012015). Collection method: clinical testing. Allele origin: germline. Affected: yes.
Comment: The c.1505dupA variant in the MEN1 gene causes a frameshift starting with codon Leucine 504, changesthis amino acid to a Proline residue and creates a premature Stop codon at position 27 of the new readingframe, denoted p.Leu504ProfsX27. This variant is predicted to cause loss of normal protein functionthrough protein truncation. Specifically, the last 107 residues are lost and replaced with 26 incorrect residues.The c.1505dupA variant was not observed in approximately 6,300 individuals of European and AfricanAmerican ancestry in the NHLBI Exome Sequencing Project, indicating it is not a common benign variant inthese populations. Although this duplication has not been previously reported to our knowledge, we interpret this as a pathogenic variant.

Literature cited by the submitters: PubMed 28503312 (cited by Labcorp Genetics (formerly Invitae), Labcorp); PubMed 30339208 (cited by Labcorp Genetics (formerly Invitae), Labcorp); PubMed 15331604 (cited by Labcorp Genetics (formerly Invitae), Labcorp); PubMed 16449969 (cited by Labcorp Genetics (formerly Invitae), Labcorp).

NM_001370259.2(MEN1):c.1505dup (p.Leu504fs)

Gene: MEN1 (menin 1; minus strand). Cytogenetic location: 11q13.1.
Variant type: Duplication.
Coding change: c.1505dup on transcript NM_001370259.2 (MANE Select); coding-DNA position 1505, one base duplicated (A; older notation c.1505dupA).
Protein change: p.Leu504fs; shifts the reading frame from leucine 504.
Molecular consequence: frameshift variant.
Genome position (GRCh38, 1-based): chr11:64,804,662, T duplicated on the plus strand (A on the coding strand, the reverse complement: MEN1 is on the minus strand); the first of 2 consecutive T bases (chr11:64,804,662-64,804,663); duplicating either gives the same sequence. VCF-style (leftmost placement, unchanged base first): chr11-64804661-C-CT. GRCh37 (hg19) VCF-style: chr11-64572133-C-CT.
Other names: c.1505dupA (NM_130799.2); c.1520dup, p.Leu509fs (NM_000244.4, NM_130800.3, NM_130801.3 and 3 more transcripts); c.1631dup, p.Leu546fs (NM_001370251.2); c.1505dup, p.Leu504fs (NM_001370260.2, NM_001370261.2, NM_130799.3); c.1400dup, p.Leu469fs (NM_001370262.2, NM_001370263.2); short protein forms L509fs, L546fs, L504fs, L469fs.
Identifiers: ClinVar variation 418694 (VCV000418694.8), dbSNP rs1555163591, ClinGen allele CA16619357.